The following is an entry in ClinVar:

ClinVar aggregate classification (germline): Benign/Likely benign. Review status: criteria provided, multiple submitters, no conflicts (2 of 4 stars). 10 submissions from 9 submitters: Benign (9); Likely benign (1). Last evaluated 2026-01-28.

Conditions:
Congenital myopathy with fiber type disproportion. Also called: Congenital fiber-type disproportion; Congenital fiber-type disproportion myopathy. Identifiers: Orphanet 2020, MedGen C0546264, MONDO:0009711. Inheritance: all.
King Denborough syndrome (KDS). Identifiers: MedGen C1840365, MONDO:0020485, OMIM 619542.
Malignant hyperthermia, susceptibility to, 1 (MHS1). Also called: RYR1-Related Malignant Hyperthermia Susceptibility; Anesthesia related hyperthermia; Malignant hyperpyrexia; Fulminating hyperpyrexia; Pharmacogenic myopathy; Malignant hyperthermia suceptibility 1. Identifiers: Orphanet 423, MedGen C2930980, MONDO:0007783, OMIM 145600.
Central core myopathy (CMYO1A). Also called: Central core disease; Myopathy, central fibrillar; CONGENITAL MYOPATHY 1A, AUTOSOMAL DOMINANT, WITH SUSCEPTIBILITY TO MALIGNANT HYPERTHERMIA. Identifiers: Orphanet 597, MedGen C5830701, MONDO:0007294, OMIM 117000.
Congenital multicore myopathy with external ophthalmoplegia (CMYO1B). Also called: MULTIMINICORE DISEASE WITH EXTERNAL OPHTHALMOPLEGIA; Congenital myopathy 1B, autosomal recessive; Minicore myopathy; Minicore myopathy with external ophthalmoplegia; MULTICORE MYOPATHY. Identifiers: Orphanet 598, Orphanet 98905, MedGen C1850674, MONDO:0009712, OMIM 255320, HP:0003789.
RYR1-related disorder. Also called: RYR1-related condition; RYR1-related disorders. Identifiers: MedGen CN239331.

Allele frequency attached by ClinVar (database versions not stated): gnomAD exomes 0.00071 and 0.00138; ExAC 0.00169; gnomAD 0.00443 and 0.00478; TOPMed 0.00490; 1000 Genomes Project 0.00539; ESP Exome Variant Server 0.00577; 1000 Genomes Project 30x 0.00625.
gnomAD v4.1: 1,737 of 1,613,754 alleles (0.11%); highest among the groups gnomAD compares: African/African-American, 1.5%; 10 homozygotes.

Submissions (10):

Labcorp Genetics (formerly Invitae), Labcorp
Classification: Benign for RYR1-related disorder. Last evaluated: 2026-01-28. Review status: criteria provided, single submitter. Criteria: Invitae Variant Classification Sherloc (09022015). Collection method: clinical testing. Allele origin: germline.

Blueprint Genetics
Classification: Likely benign. Last evaluated: 2024-11-20. Review status: criteria provided, single submitter. Criteria: ACMG Guidelines, 2015. Collection method: clinical testing. Allele origin: germline.

Mayo Clinic Laboratories, Mayo Clinic
Classification: Benign. Last evaluated: 2024-07-30. Review status: criteria provided, single submitter. Criteria: ACMG Guidelines, 2015. Collection method: clinical testing. Allele origin: germline. Observed: 4 variant alleles.
Comment: BS1, BS2, BP4, BP7

Color Diagnostics, LLC DBA Color Health
Classification: Benign for Malignant hyperthermia, susceptibility to, 1. Last evaluated: 2022-11-06. Review status: criteria provided, single submitter. Criteria: ACMG Guidelines, 2015. Collection method: clinical testing. Allele origin: germline.

Fulgent Genetics
Classification: Benign for Central core myopathy; Malignant hyperthermia, susceptibility to, 1; Congenital myopathy 4A, autosomal dominant; Congenital multicore myopathy with external ophthalmoplegia; King Denborough syndrome. Last evaluated: 2022-02-17. Review status: criteria provided, single submitter. Criteria: ACMG Guidelines, 2015. Collection method: clinical testing. Allele origin: unknown.

GeneDx
Classification: Benign. Last evaluated: 2019-05-24. Review status: criteria provided, single submitter. Criteria: GeneDx Variant Classification Process June 2021. Collection method: clinical testing. Allele origin: germline. Affected: yes.

PreventionGenetics, part of Exact Sciences
Classification: Benign. Last evaluated: 2018-03-13. Review status: criteria provided, single submitter. Criteria: ACMG Guidelines, 2015. Collection method: clinical testing. Allele origin: germline.

Illumina Laboratory Services, Illumina
Classification: Benign for Congenital multicore myopathy with external ophthalmoplegia. Last evaluated: 2018-01-13. Review status: criteria provided, single submitter. Criteria: ICSL Variant Classification Criteria 13 December 2019. Collection method: clinical testing. Allele origin: germline.
Comment: This variant was observed in the ICSL laboratory as part of a predisposition screen in an ostensibly healthy population. It had not been previously curated by ICSL or reported in the Human Gene Mutation Database (HGMD: prior to June 1st, 2018), and was therefore a candidate for classification through an automated scoring system. Utilizing variant allele frequency, disease prevalence and penetrance estimates, and inheritance mode, an automated score was calculated to assess if this variant is too frequent to cause the disease. Based on the score and internal cut-off values, a variant classified as benign is not then subjected to further curation. The score for this variant resulted in a classification of benign for this disease.

Illumina Laboratory Services, Illumina
Classification: Benign for Malignant hyperthermia, susceptibility to, 1. Last evaluated: 2018-01-13. Review status: criteria provided, single submitter. Criteria: ICSL Variant Classification Criteria 13 December 2019. Collection method: clinical testing. Allele origin: germline.
Comment: the same text as in the submission from Illumina Laboratory Services, Illumina above.

Eurofins Ntd Llc (ga)
Classification: Benign. Last evaluated: 2014-07-10. Review status: criteria provided, single submitter. Criteria: EGL Classification Definitions 2015. Collection method: clinical testing. Allele origin: germline. Observed: 1 variant allele, 1 heterozygote.

NM_000540.3(RYR1):c.9414G>A (p.Pro3138=)

Gene: RYR1 (ryanodine receptor 1; plus strand). Cytogenetic location: 19q13.2.
Variant type: single nucleotide variant.
Coding change: c.9414G>A on transcript NM_000540.3 (MANE Select); coding-DNA position 9414, G replaced by A.
Protein change: p.Pro3138=; no amino-acid change (proline 3138 retained).
Molecular consequence: synonymous variant.
Genome position (GRCh38, 1-based): chr19:38,512,425, G>A. VCF-style: chr19-38512425-G-A. GRCh37 (hg19) VCF-style: chr19-39003065-G-A.
Other names: p.Pro3138=; c.9414G>A, p.Pro3138= (NM_001042723.2).
Identifiers: ClinVar variation 198329 (VCV000198329.27), dbSNP rs116130182, ClinGen allele CA024982.